The following is an entry in ClinVar:

NM_005219.5(DIAPH1):c.961C>G (p.Leu321Val)

Gene: DIAPH1 (diaphanous related formin 1; minus strand). Cytogenetic location: 5q31.3.
Variant type: single nucleotide variant.
Coding change: c.961C>G on transcript NM_005219.5 (MANE Select); coding-DNA position 961, C replaced by G.
Protein change: p.Leu321Val; replaces leucine 321 with valine.
Molecular consequence: missense variant.
Genome position (GRCh38, 1-based): chr5:141,578,598, G>C on the plus strand (C>G on the coding strand, the complement: DIAPH1 is on the minus strand). VCF-style: chr5-141578598-G-C. GRCh37 (hg19) VCF-style: chr5-140958165-G-C.
Other names: c.934C>G, p.Leu312Val (NM_001079812.3); c.961C>G, p.Leu321Val (NM_001314007.2); short protein forms L312V, L321V.
Identifiers: ClinVar variation 1409046 (VCV001409046.8), dbSNP rs1214669823, ClinGen allele CA361532774.
Genomic context (GRCh38, chr5:141,578,598, plus strand): 5'-AACGCATCAGTTCACTTCTGATGTGAACTCGGAAGTCAAGTTCCTCCGCTGGTGTGATGA[G>C]AGCATTGATCAGCTGTAGGCATCCAACCTAAAATAAGAAAATTCAGCAGCTATGTCAATG-3'
Protein context (NP_005210.3, residues 311-331): KVGCLQLINA[Leu321Val]ITPAEELDFR

ClinVar aggregate classification (germline): Uncertain significance (1 of 4 stars; one submission).

Conditions:
Autosomal dominant nonsyndromic hearing loss 1. Also called: KONIGSMARK SYNDROME; DEAFNESS, AUTOSOMAL DOMINANT 1, WITH OR WITHOUT THROMBOCYTOPENIA. Identifiers: Orphanet 90635, MedGen C1852282, MONDO:0007424, OMIM 124900.
Progressive microcephaly-seizures-cortical blindness-developmental delay syndrome. Also called: Seizures, cortical blindness, and microcephaly syndrome. Identifiers: Orphanet 477814, MedGen C5567650, MONDO:0014714, OMIM 616632.

Allele frequency attached by ClinVar (database versions not stated): gnomAD exomes below 0.00001 and 0.00001.

Submission:

Labcorp Genetics (formerly Invitae), Labcorp
Classification: Uncertain significance for Progressive microcephaly-seizures-cortical blindness-developmental delay syndrome; Autosomal dominant nonsyndromic hearing loss 1. Last evaluated: 2024-12-09. Review status: criteria provided, single submitter. Criteria: Invitae Variant Classification Sherloc (09022015). Collection method: clinical testing. Allele origin: germline.
Comment: This sequence change replaces leucine, which is neutral and non-polar, with valine, which is neutral and non-polar, at codon 321 of the DIAPH1 protein (p.Leu321Val). This variant is present in population databases (no rsID available, gnomAD 0.003%). This variant has not been reported in the literature in individuals affected with DIAPH1-related conditions. ClinVar contains an entry for this variant (Variation ID: 1409046). Experimental studies and prediction algorithms are not available or were not evaluated, and the functional significance of this variant is currently unknown. In summary, the available evidence is currently insufficient to determine the role of this variant in disease. Therefore, it has been classified as a Variant of Uncertain Significance.